The following is an entry in ClinVar:

NM_006009.4(TUBA1A):c.1169G>C (p.Arg390Pro)

Gene: TUBA1A (tubulin alpha 1a; minus strand). Cytogenetic location: 12q13.12.
Variant type: single nucleotide variant.
Coding change: c.1169G>C on transcript NM_006009.4 (MANE Select); coding-DNA position 1169, G replaced by C.
Protein change: p.Arg390Pro; replaces arginine 390 with proline.
Molecular consequence: missense variant.
Genome position (GRCh38, 1-based): chr12:49,185,197, C>G on the plus strand (G>C on the coding strand, the complement: TUBA1A is on the minus strand). VCF-style: chr12-49185197-C-G. GRCh37 (hg19) VCF-style: chr12-49578980-C-G.
Other names: c.1169G>C, p.Arg390Pro (NM_001270399.2); c.1064G>C, p.Arg355Pro (NM_001270400.2); short protein forms R390P, R355P.
Identifiers: ClinVar variation 423490 (VCV000423490.9), dbSNP rs1064796460, ClinGen allele CA16619547.

ClinVar aggregate classification (germline): Pathogenic/Likely pathogenic. Review status: criteria provided, multiple submitters, no conflicts (2 of 4 stars). 4 submissions from 4 submitters: Pathogenic (2); Likely pathogenic (2). Last evaluated 2018-07-01.

Conditions:
Lissencephaly due to TUBA1A mutation (CDCBM16). Also called: CORTICAL DYSPLASIA, COMPLEX, WITH OTHER BRAIN MALFORMATIONS 16; Lissencephaly 3. Identifiers: Orphanet 171680, MedGen C4305153, MONDO:0012703, OMIM 611603.
Tubulinopathy. Also called: Tubulinopathies. Identifiers: MedGen CN850169, MONDO:0100153.

Submissions (4):

Institute of Human Genetics, FAU Erlangen, Friedrich-Alexander-Universität Erlangen-Nürnberg
Classification: Likely pathogenic for Tubulinopathies. Last evaluated: 2018-07-01. Review status: criteria provided, single submitter. Criteria: ACMG Guidelines, 2015. Collection method: literature only. Allele origin: germline. Affected: yes. Observed: 1 variant allele.
Comment: The c.1169G>C, p.(Arg390Pro) variant has been reported as a variant of germline/unknown origin.

Broad Center for Mendelian Genomics, Broad Institute of MIT and Harvard
Classification: Likely pathogenic for Lissencephaly due to TUBA1A mutation. Last evaluated: 2018-06-15. Review status: criteria provided, single submitter. Criteria: ACMG Guidelines, 2015. Collection method: research. Allele origin: germline. Inheritance: Autosomal dominant inheritance. Affected: yes.
Comment: This variant was absent from large population studies. Computational prediction tools and conservation analyses suggest that this variant may impact the protein, supporting that a change at this position may not be tolerated. Other variants at this position, all de novo, have been reported pathogenic in the literature, supporting the likelihood that this is a pathogenic variant (Poirier et al. 2013, PMID: 20466733; Kumar et al. 2010, PMID: 22948023; Zanni et al. 2013, PMID: 23317684). In summary, although additional studies are required to fully establish its pathogenicity, this variant is likely pathogenic.

GeneDx
Classification: Pathogenic. Last evaluated: 2017-11-21. Review status: criteria provided, single submitter. Criteria: GeneDx Variant Classification (06012015). Collection method: clinical testing. Allele origin: germline. Affected: yes.
Comment: The R390P variant in the TUBA1A gene has not been published as a pathogenic variant, nor has it been reported as a benign variant to our knowledge. However, different missense variants at the same position (R390C, R390H) have been reported as de novo variants in individuals with TUBA1A-related disorders (Kumar et al., 2010; Poirier et al., 2013; Zanni et al., 2013). The R390P variant is not observed in large population cohorts (Lek et al., 2016). The R390P variant is a non-conservative amino acid substitution, which is likely to impact secondary protein structure as these residues differ in polarity, charge, size and/or other properties. In-silico analyses, including protein predictors and evolutionary conservation, are inconsistent in their assessment as to whether or not the variant is damaging.

Department of Pediatrics, Driscoll Children's Hospital
Classification: Pathogenic for Lissencephaly due to TUBA1A mutation. Review status: criteria provided, single submitter. Criteria: ACMG Guidelines, 2015. Collection method: clinical testing, research. Allele origin: de novo, not applicable. Inheritance: Autosomal dominant inheritance. Affected: yes. Observed: 1 heterozygote. Functional consequence: variation affecting protein function.
Comment: The Arg390Pro mutation in TUBA1A gene reported in our study is associated with a broader clinical phenotype than previously reported. The cerebral dysgenesis includes severe lissencephaly, polymicrogyria, and agenesis of both the corpus callosum and cerebellum. The extra-cranial manifestations of cleft palate and optic nerve hypoplasia have not been previously reported. This single amino acid substitution of a positively charged arginine with a neutrally-charged proline strongly suggests a change in the protein configuration and function of tubulin which resulted in altered function of microtubules that are crucial in normal neuronal migration and cerebral development.

Literature cited by the submitters: PubMed 30744660 (cited by Institute of Human Genetics, FAU Erlangen, Friedrich-Alexander-Universität Erlangen-Nürnberg); DOI 10.1101/427948 (cited by Institute of Human Genetics, FAU Erlangen, Friedrich-Alexander-Universität Erlangen-Nürnberg).